The following is an entry in ClinVar:

NM_006393.3(NEBL):c.2740A>T (p.Thr914Ser)

Gene: NEBL (nebulette; minus strand). Cytogenetic location: 10p12.31.
Variant type: single nucleotide variant.
Coding change: c.2740A>T on transcript NM_006393.3 (MANE Select); coding-DNA position 2740, A replaced by T.
Protein change: p.Thr914Ser; replaces threonine 914 with serine.
Molecular consequence: missense variant. On other transcripts: intron variant (9).
Genome position (GRCh38, 1-based): chr10:20,808,531, T>A on the plus strand (A>T on the coding strand, the complement: NEBL is on the minus strand). VCF-style: chr10-20808531-T-A. GRCh37 (hg19) VCF-style: chr10-21097460-T-A.
Other names: c.472+4238A>T (NM_001377324.1); c.463+4238A>T (NM_001377325.1); c.481+4238A>T (NM_001377323.1); c.421+4238A>T (NM_001377326.1, NM_001377327.1, NM_001377328.1); c.529+4238A>T (NM_213569.2, NM_001173484.2); c.622+1275A>T (NM_001377322.1); short protein forms T914S.
Identifiers: ClinVar variation 573400 (VCV000573400.3), dbSNP rs1369499702, ClinGen allele CA376092674.
Genomic context (GRCh38, chr10:20,808,531, plus strand): 5'-ATGAATCGATTTTCTTTGTAAGCAGTGAATGTTTGATACCTCCTTCATCAGACGGTCTTG[T>A]TACCTCACTGCAGCATGAAAAGCTAGGGTAAATCTCGGAGATTTCTGACCTGTCGTCTCC-3'
Protein context (NP_006384.1, residues 904-924): YPSFSCCSEV[Thr914Ser]RPSDEGAPVL

ClinVar aggregate classification (germline): Uncertain significance (1 of 4 stars; one submission).

Conditions:
Primary dilated cardiomyopathy (DCM). Also called: Dilated Cardiomyopathy. Identifiers: Orphanet 217604, MedGen C0007193, MeSH D002311, MONDO:0005021, HP:0001644. Inheritance: Various modes of inheritance.

gnomAD v4.1: 1 of 1,614,004 alleles (0.000062%); no homozygotes.

Submission:

Labcorp Genetics (formerly Invitae), Labcorp
Classification: Uncertain significance for Primary dilated cardiomyopathy. Last evaluated: 2024-11-15. Review status: criteria provided, single submitter. Criteria: Invitae Variant Classification Sherloc (09022015). Collection method: clinical testing. Allele origin: germline.
Comment: This sequence change replaces threonine, which is neutral and polar, with serine, which is neutral and polar, at codon 914 of the NEBL protein (p.Thr914Ser). This variant is not present in population databases (gnomAD no frequency). This variant has not been reported in the literature in individuals affected with NEBL-related conditions. ClinVar contains an entry for this variant (Variation ID: 573400). An algorithm developed to predict the effect of missense changes on protein structure and function (PolyPhen-2) suggests that this variant is likely to be tolerated. In summary, the available evidence is currently insufficient to determine the role of this variant in disease. Therefore, it has been classified as a Variant of Uncertain Significance.